The following is an entry in ClinVar:

NM_001365951.3(KIF1B):c.5431C>A (p.Pro1811Thr)

Gene: KIF1B (kinesin family member 1B; plus strand). Cytogenetic location: 1p36.22.
Variant type: single nucleotide variant.
Coding change: c.5431C>A on transcript NM_001365951.3 (MANE Select); coding-DNA position 5431, C replaced by A.
Protein change: p.Pro1811Thr; replaces proline 1811 with threonine.
Molecular consequence: missense variant.
Genome position (GRCh38, 1-based): chr1:10,376,567, C>A. VCF-style: chr1-10376567-C-A. GRCh37 (hg19) VCF-style: chr1-10436625-C-A.
Other names: c.5431C>A, p.Pro1811Thr (NM_001365952.1); c.5293C>A, p.Pro1765Thr (NM_015074.3); short protein forms P1765T, P1811T.
Identifiers: ClinVar variation 1746644 (VCV001746644.7), dbSNP rs1418951747, ClinGen allele CA338332170.
Genomic context (GRCh38, chr1:10,376,567, plus strand): 5'-CAGACTTCTAATCCTACCTCCCCGTTTGTCCCCCATAGGTCAAAGCTTTCCCGCAGATGC[C>A]CGAGCCAGTCGAAATACTAAGTGACTCTGCCGAGTGCCCTCACTCGCCTTCGAGAGATAA-3'
Protein context (NP_001352880.1, residues 1801-1816): TIRSKLSRRC[Pro1811Thr]SQSKY

ClinVar aggregate classification (germline): Uncertain significance. Review status: criteria provided, multiple submitters, no conflicts (2 of 4 stars). 2 submissions from 2 submitters: Uncertain significance (2). Last evaluated 2022-08-23.

Conditions:
Charcot-Marie-Tooth disease type 2. Also called: Charcot-Marie-Tooth type 2. Identifiers: Orphanet 64746, MedGen C0270914, MONDO:0018993.

gnomAD v4.1: 1 of 1,614,086 alleles (0.000062%); highest among the groups gnomAD compares: Non-Finnish European, 0.000085%; no homozygotes.

Submissions (2):

Labcorp Genetics (formerly Invitae), Labcorp
Classification: Uncertain significance for Charcot-Marie-Tooth disease type 2. Last evaluated: 2022-08-23. Review status: criteria provided, single submitter. Criteria: Invitae Variant Classification Sherloc (09022015). Collection method: clinical testing. Allele origin: germline.
Comment: This sequence change replaces proline, which is neutral and non-polar, with threonine, which is neutral and polar, at codon 1765 of the KIF1B protein (p.Pro1765Thr). This variant is present in population databases (no rsID available, gnomAD 0.0009%). This variant has not been reported in the literature in individuals affected with KIF1B-related conditions. Algorithms developed to predict the effect of missense changes on protein structure and function output the following: SIFT: "Tolerated"; PolyPhen-2: "Benign"; Align-GVGD: "Class C0". The threonine amino acid residue is found in multiple mammalian species, which suggests that this missense change does not adversely affect protein function. In summary, the available evidence is currently insufficient to determine the role of this variant in disease. Therefore, it has been classified as a Variant of Uncertain Significance.

Ambry Genetics
Classification: Uncertain significance. Last evaluated: 2022-07-05. Review status: criteria provided, single submitter. Criteria: Ambry Variant Classification Scheme 2023. Collection method: clinical testing. Allele origin: germline.
Comment: The p.P1765T variant (also known as c.5293C>A), located in coding exon 46 of the KIF1B gene, results from a C to A substitution at nucleotide position 5293. The proline at codon 1765 is replaced by threonine, an amino acid with highly similar properties. This amino acid position is conserved. In addition, this alteration is predicted to be tolerated by in silico analysis. Since supporting evidence is limited at this time, the clinical significance of this alteration remains unclear.